The following is an entry in ClinVar:

ClinVar aggregate classification (germline): Uncertain significance (1 of 4 stars; one submission).

Allele frequency attached by ClinVar (database versions not stated): gnomAD exomes below 0.00001; TOPMed below 0.00001.
gnomAD v4.1: 3 of 1,613,944 alleles (0.00019%); highest among the groups gnomAD compares: Non-Finnish European, 0.00025%; no homozygotes.

Submission:

Labcorp Genetics (formerly Invitae), Labcorp
Classification: Uncertain significance. Last evaluated: 2024-10-22. Review status: criteria provided, single submitter. Criteria: Invitae Variant Classification Sherloc (09022015). Collection method: clinical testing. Allele origin: germline.
Comment: This sequence change replaces glycine, which is neutral and non-polar, with aspartic acid, which is acidic and polar, at codon 239 of the POMC protein (p.Gly239Asp). This variant is not present in population databases (gnomAD no frequency). This variant has not been reported in the literature in individuals affected with POMC-related conditions. ClinVar contains an entry for this variant (Variation ID: 2079912). Invitae Evidence Modeling of protein sequence and biophysical properties (such as structural, functional, and spatial information, amino acid conservation, physicochemical variation, residue mobility, and thermodynamic stability) indicates that this missense variant is expected to disrupt POMC protein function with a positive predictive value of 80%. In summary, the available evidence is currently insufficient to determine the role of this variant in disease. Therefore, it has been classified as a Variant of Uncertain Significance.

NM_000939.4(POMC):c.716G>A (p.Gly239Asp)

Gene: POMC (proopiomelanocortin; minus strand). Cytogenetic location: 2p23.3.
Variant type: single nucleotide variant.
Coding change: c.716G>A on transcript NM_000939.4 (MANE Select); coding-DNA position 716, G replaced by A.
Protein change: p.Gly239Asp; replaces glycine 239 with aspartic acid.
Molecular consequence: missense variant.
Genome position (GRCh38, 1-based): chr2:25,161,169, C>T on the plus strand (G>A on the coding strand, the complement: POMC is on the minus strand). VCF-style: chr2-25161169-C-T. GRCh37 (hg19) VCF-style: chr2-25384038-C-T.
Other names: c.716G>A, p.Gly239Asp (NM_001035256.3, NM_001319204.2, NM_001319205.2); short protein forms G239D.
Identifiers: ClinVar variation 2079912 (VCV002079912.4), dbSNP rs1671338497, ClinGen allele CA346066203.